The following is an entry in ClinVar:

ClinVar aggregate classification (germline): Uncertain significance. Review status: criteria provided, multiple submitters, no conflicts (2 of 4 stars). 2 submissions from 2 submitters: Uncertain significance (2). Last evaluated 2024-11-13.

Conditions:
Mitochondrial hypertrophic cardiomyopathy with lactic acidosis due to MTO1 deficiency. Also called: CARDIOMYOPATHY, INFANTILE HYPERTROPHIC MITOCHONDRIAL, AND LACTIC ACIDOSIS; Combined oxidative phosphorylation deficiency 10. Identifiers: Orphanet 314637, MedGen C4749921, MONDO:0013865, OMIM 614702.
Inborn genetic diseases. Identifiers: MedGen C0950123, MeSH D030342.

Allele frequency attached by ClinVar (database versions not stated): ExAC 0.00001; gnomAD 0.00001; gnomAD exomes 0.00001 and 0.00002; TOPMed 0.00001.
gnomAD v4.1: 19 of 1,613,918 alleles (0.0012%); highest among the groups gnomAD compares: Middle Eastern, 0.18%; no homozygotes.

Submissions (2):

Ambry Genetics
Classification: Uncertain significance for Inborn genetic diseases. Last evaluated: 2024-11-13. Review status: criteria provided, single submitter. Criteria: Ambry Variant Classification Scheme 2023. Collection method: clinical testing. Allele origin: germline.

Labcorp Genetics (formerly Invitae), Labcorp
Classification: Uncertain significance for Mitochondrial hypertrophic cardiomyopathy with lactic acidosis due to MTO1 deficiency. Last evaluated: 2022-07-19. Review status: criteria provided, single submitter. Criteria: Invitae Variant Classification Sherloc (09022015). Collection method: clinical testing. Allele origin: germline.
Comment: This sequence change replaces glutamic acid, which is acidic and polar, with glutamine, which is neutral and polar, at codon 246 of the MTO1 protein (p.Glu246Gln). This variant is present in population databases (rs750020202, gnomAD 0.0009%). This variant has not been reported in the literature in individuals affected with MTO1-related conditions. ClinVar contains an entry for this variant (Variation ID: 1052249). Algorithms developed to predict the effect of missense changes on protein structure and function are either unavailable or do not agree on the potential impact of this missense change (SIFT: "Tolerated"; PolyPhen-2: "Possibly Damaging"; Align-GVGD: "Class C0"). In summary, the available evidence is currently insufficient to determine the role of this variant in disease. Therefore, it has been classified as a Variant of Uncertain Significance.

NM_012123.4(MTO1):c.736G>C (p.Glu246Gln)

Gene: MTO1 (mitochondrial tRNA translation optimization 1; plus strand). Cytogenetic location: 6q13.
Variant type: single nucleotide variant.
Coding change: c.736G>C on transcript NM_012123.4 (MANE Select); coding-DNA position 736, G replaced by C.
Protein change: p.Glu246Gln; replaces glutamic acid 246 with glutamine.
Molecular consequence: missense variant.
Genome position (GRCh38, 1-based): chr6:73,473,565, G>C. VCF-style: chr6-73473565-G-C. GRCh37 (hg19) VCF-style: chr6-74183288-G-C.
Other names: c.736G>C, p.Glu246Gln (NM_001123226.2, NM_133645.3); c.736G>C (NM_001123226.1); short protein forms E246Q.
Identifiers: ClinVar variation 1052249 (VCV001052249.7), dbSNP rs750020202, ClinGen allele CA3889432.